The following is an entry in ClinVar:

NM_001042492.3(NF1):c.7031C>T (p.Thr2344Ile)

Gene: NF1 (neurofibromin 1; plus strand). Cytogenetic location: 17q11.2.
Variant type: single nucleotide variant.
Coding change: c.7031C>T on transcript NM_001042492.3 (MANE Select); coding-DNA position 7031, C replaced by T.
Protein change: p.Thr2344Ile; replaces threonine 2344 with isoleucine.
Molecular consequence: missense variant.
Genome position (GRCh38, 1-based): chr17:31,340,614, C>T. VCF-style: chr17-31340614-C-T. GRCh37 (hg19) VCF-style: chr17-29667632-C-T.
Other names: c.6968C>T, p.Thr2323Ile (NM_000267.4); short protein forms T2323I, T2344I.
Identifiers: ClinVar variation 845721 (VCV000845721.10), dbSNP rs2069793613, ClinGen allele CA399015123.

ClinVar aggregate classification (germline): Uncertain significance. Review status: criteria provided, multiple submitters, no conflicts (2 of 4 stars). 2 submissions from 2 submitters: Uncertain significance (2). Last evaluated 2024-08-05.

Conditions:
Hereditary cancer-predisposing syndrome. Also called: Neoplastic Syndromes, Hereditary; Hereditary neoplastic syndrome; Tumor predisposition; Hereditary Cancer Syndrome. Identifiers: Orphanet 140162, MedGen C0027672, MeSH D009386, MONDO:0015356.
Cardiovascular phenotype. Identifiers: MedGen CN230736.
Neurofibromatosis, type 1 (NF1). Also called: Peripheral type neurofibromatosis; VON RECKLINGHAUSEN DISEASE; Neurofibromatosis, type I; NEUROFIBROMATOSIS, TYPE I, SOMATIC. Identifiers: Orphanet 636, MedGen C0027831, MONDO:0018975, OMIM 162200. Disease mechanism: loss of function.

Allele frequency attached by ClinVar (database versions not stated): gnomAD exomes below 0.00001.
gnomAD v4.1: 1 of 1,614,122 alleles (0.000062%); highest among the groups gnomAD compares: Non-Finnish European, 0.000085%; no homozygotes.

Submissions (2):

Ambry Genetics
Classification: Uncertain significance for Cardiovascular phenotype; Hereditary cancer-predisposing syndrome. Last evaluated: 2024-08-05. Review status: criteria provided, single submitter. Criteria: Ambry Variant Classification Scheme 2023. Collection method: clinical testing. Allele origin: germline.
Comment: The p.T2323I variant (also known as c.6968C>T), located in coding exon 46 of the NF1 gene, results from a C to T substitution at nucleotide position 6968. The threonine at codon 2323 is replaced by isoleucine, an amino acid with similar properties. This amino acid position is conserved. In addition, the in silico prediction for this alteration is inconclusive. Since supporting evidence is limited at this time, the clinical significance of this alteration remains unclear.

Labcorp Genetics (formerly Invitae), Labcorp
Classification: Uncertain significance for Neurofibromatosis, type 1. Last evaluated: 2022-05-26. Review status: criteria provided, single submitter. Criteria: Invitae Variant Classification Sherloc (09022015). Collection method: clinical testing. Allele origin: germline.
Comment: ClinVar contains an entry for this variant (Variation ID: 845721). This variant has not been reported in the literature in individuals affected with NF1-related conditions. This variant is not present in population databases (gnomAD no frequency). This sequence change replaces threonine, which is neutral and polar, with isoleucine, which is neutral and non-polar, at codon 2323 of the NF1 protein (p.Thr2323Ile). Advanced modeling of protein sequence and biophysical properties (such as structural, functional, and spatial information, amino acid conservation, physicochemical variation, residue mobility, and thermodynamic stability) performed at Invitae indicates that this missense variant is expected to disrupt NF1 protein function. In summary, the available evidence is currently insufficient to determine the role of this variant in disease. Therefore, it has been classified as a Variant of Uncertain Significance.